The following is an entry in ClinVar:

ClinVar aggregate classification (germline): Likely benign. Review status: criteria provided, multiple submitters, no conflicts (2 of 4 stars). 4 submissions from 4 submitters: Likely benign (4). Last evaluated 2026-04-02.

Conditions:
Cardiovascular phenotype. Identifiers: MedGen CN230736.
Familial hypercholesterolemia. Also called: Familial hypercholesterolemias; Familial hypercholesterolaemia. Identifiers: MedGen C0020445, MONDO:0005439.
Hypercholesterolemia, autosomal dominant, 3 (FHCL3). Also called: Familial Hypercholesterolemia, Autosomal Dominant, 3; Familial hypercholesterolemia 3; PCSK9-Related Familial Hypercholesterolemia, Autosomal Dominant. Identifiers: MedGen C1863551, MONDO:0011369, OMIM 603776.

Allele frequency attached by ClinVar (database versions not stated): gnomAD exomes 0.00001; TOPMed 0.00005; gnomAD 0.00007.

Submissions (4):

Ambry Genetics
Classification: Likely benign for Cardiovascular phenotype. Last evaluated: 2026-04-02. Review status: criteria provided, single submitter. Criteria: Ambry Variant Classification Scheme 2023. Collection method: clinical testing. Allele origin: germline.

All of Us Research Program, National Institutes of Health
Classification: Likely benign for Hypercholesterolemia, autosomal dominant, 3. Last evaluated: 2023-05-04. Review status: criteria provided, single submitter. Criteria: ACMG Guidelines, 2015. Collection method: clinical testing. Allele origin: germline. Inheritance: Autosomal dominant inheritance. Observed: 2 variant alleles, 2 heterozygotes.
Comment: This study involves interpretation of variants in research participants for the purpose of population health screening. Participant phenotype was not available at the time of variant classification. Additional details can be found in publication PMID: 35346344, PMCID: PMC8962531

Labcorp Genetics (formerly Invitae), Labcorp
Classification: Likely benign for Hypercholesterolemia, autosomal dominant, 3. Last evaluated: 2019-05-20. Review status: criteria provided, single submitter. Criteria: Invitae Variant Classification Sherloc (09022015). Collection method: clinical testing. Allele origin: germline.

Color Diagnostics, LLC DBA Color Health
Classification: Likely benign for Familial hypercholesterolemia. Last evaluated: 2018-07-14. Review status: criteria provided, single submitter. Criteria: ACMG Guidelines, 2015. Collection method: clinical testing. Allele origin: germline.

NM_174936.4(PCSK9):c.1116C>T (p.Ser372=)

Gene: PCSK9 (proprotein convertase subtilisin/kexin type 9; plus strand). Cytogenetic location: 1p32.3.
Variant type: single nucleotide variant.
Coding change: c.1116C>T on transcript NM_174936.4 (MANE Select); coding-DNA position 1116, C replaced by T.
Protein change: p.Ser372=; no amino-acid change (serine 372 retained).
Molecular consequence: synonymous variant. On other transcripts: non-coding transcript variant (8).
Genome position (GRCh38, 1-based): chr1:55,057,450, C>T. VCF-style: chr1-55057450-C-T. GRCh37 (hg19) VCF-style: chr1-55523123-C-T.
Other names: c.1239C>T, p.Ser413= (NM_001407240.1); c.1116C>T, p.Ser372= (NM_001407241.1, NM_001407244.1, NM_001407247.1); c.1119C>T, p.Ser373= (NM_001407242.1); c.1059C>T, p.Ser353= (NM_001407243.1); c.924C>T, p.Ser308= (NM_001407245.1); c.741C>T, p.Ser247= (NM_001407246.1).
Identifiers: ClinVar variation 1089790 (VCV001089790.13), dbSNP rs1379493748, ClinGen allele CA417960074.